The following is an entry in ClinVar:

ClinVar aggregate classification (germline): Likely pathogenic (1 of 4 stars; one submission).

Conditions:
ZFHX3-related disorder. Also called: ZFHX3-related condition.

Submission:

3billion
Classification: Likely pathogenic for ZFHX3-related disorder. Last evaluated: 2026-01-28. Review status: criteria provided, single submitter. Criteria: ACMG Guidelines, 2015. Collection method: clinical testing. Allele origin: germline. Affected: yes.
Comment: The variant is not observed in the gnomAD v4.1.0 dataset. Predicted Consequence/Location: Frameshift: predicted to result in a loss or disruption of normal protein function through nonsense-mediated decay (NMD) or protein truncation. Multiple pathogenic variants are reported downstream of the variant. Therefore, this variant is classified as Likely pathogenic according to the recommendation of ACMG/AMP guideline.

NM_006885.4(ZFHX3):c.3530-18_3533dup

Genes: ZFHX3-AS1 (ZFHX3 antisense RNA 1; plus strand), ZFHX3 (zinc finger homeobox 3; minus strand). Cytogenetic location: 16q22.3.
Variant type: Duplication.
Coding change: c.3530-18_3533dup on transcript NM_006885.4 (MANE Select); 18 bases into the intron before coding-DNA position 3530 through coding-DNA position 3533, 22 bases duplicated (TTCTACTTTCTCTTTTAGCATC).
Molecular consequence: splice acceptor variant.
Genome position (GRCh38, 1-based): chr16:72,812,035-72,812,056, GATGCTAAAAGAGAAAGTAGAA duplicated on the plus strand (TTCTACTTTCTCTTTTAGCATC on the coding strand, the reverse complement: ZFHX3 is on the minus strand); duplicating any 22 consecutive bases within chr16:72,812,035-72,812,061 gives the same sequence; the c. name uses the placement nearest the transcript's 3' end. VCF-style (leftmost placement, unchanged base first): chr16-72812034-C-CGATGCTAAAAGAGAAAGTAGAA. GRCh37 (hg19) VCF-style: chr16-72845933-C-CGATGCTAAAAGAGAAAGTAGAA.
Other names: c.3530-18_3533dup (NM_001386735.1); c.788-18_791dup (NM_001164766.2).
Identifiers: ClinVar variation 4855327 (VCV004855327.1).